The following is an entry in ClinVar:

ClinVar aggregate classification (germline): Uncertain significance. Review status: criteria provided, multiple submitters, no conflicts (2 of 4 stars). 2 submissions from 2 submitters: Uncertain significance (2). Last evaluated 2024-12-02.

Conditions:
Aicardi-Goutieres syndrome 2. Identifiers: Orphanet 51, MedGen C3489724, MONDO:0012429, OMIM 610181.
Inborn genetic diseases. Identifiers: MedGen C0950123, MeSH D030342.

Submissions (2):

Ambry Genetics
Classification: Uncertain significance for Inborn genetic diseases. Last evaluated: 2024-12-02. Review status: criteria provided, single submitter. Criteria: Ambry Variant Classification Scheme 2023. Collection method: clinical testing. Allele origin: germline.

Labcorp Genetics (formerly Invitae), Labcorp
Classification: Uncertain significance for Aicardi-Goutieres syndrome 2. Last evaluated: 2022-10-25. Review status: criteria provided, single submitter. Criteria: Invitae Variant Classification Sherloc (09022015). Collection method: clinical testing. Allele origin: germline.
Comment: In summary, the available evidence is currently insufficient to determine the role of this variant in disease. Therefore, it has been classified as a Variant of Uncertain Significance. Algorithms developed to predict the effect of missense changes on protein structure and function (SIFT, PolyPhen-2, Align-GVGD) all suggest that this variant is likely to be tolerated. ClinVar contains an entry for this variant (Variation ID: 1369510). This variant has not been reported in the literature in individuals affected with RNASEH2B-related conditions. This variant is not present in population databases (gnomAD no frequency). This sequence change replaces serine, which is neutral and polar, with asparagine, which is neutral and polar, at codon 159 of the RNASEH2B protein (p.Ser159Asn).

NM_024570.4(RNASEH2B):c.476G>A (p.Ser159Asn)

Gene: RNASEH2B (ribonuclease H2 subunit B; plus strand). Cytogenetic location: 13q14.3.
Variant type: single nucleotide variant.
Coding change: c.476G>A on transcript NM_024570.4 (MANE Select); coding-DNA position 476, G replaced by A.
Protein change: p.Ser159Asn; replaces serine 159 with asparagine.
Molecular consequence: missense variant.
Genome position (GRCh38, 1-based): chr13:50,943,360, G>A. VCF-style: chr13-50943360-G-A. GRCh37 (hg19) VCF-style: chr13-51517496-G-A.
Other names: c.476G>A, p.Ser159Asn (NM_001142279.2); c.476G>A (NM_024570.3); short protein forms S159N.
Identifiers: ClinVar variation 1369510 (VCV001369510.7), dbSNP rs76219783, ClinGen allele CA388259447.
Genomic context (GRCh38, chr13:50,943,360, plus strand): 5'-GAGTCTTTTTTTTCTTTTAAGGTAATCCAGAAATAGACAACAAGAAATATTACAAGTACA[G>A]CAAAGAGAAGACATTAAAGTGGCTGGAAAAAAAGGTATAGTTCCTCTCTAGTGCCTTGTG-3'
Protein context (NP_078846.2, residues 149-169): EIDNKKYYKY[Ser159Asn]KEKTLKWLEK